The following is an entry in ClinVar:

NM_203447.4(DOCK8):c.1754A>G (p.Lys585Arg)

Gene: DOCK8 (dedicator of cytokinesis 8; plus strand). Cytogenetic location: 9p24.3.
Variant type: single nucleotide variant.
Coding change: c.1754A>G on transcript NM_203447.4 (MANE Select); coding-DNA position 1754, A replaced by G.
Protein change: p.Lys585Arg; replaces lysine 585 with arginine.
Molecular consequence: missense variant.
Genome position (GRCh38, 1-based): chr9:368,092, A>G. VCF-style: chr9-368092-A-G. GRCh37 (hg19) VCF-style: chr9-368092-A-G.
Other names: c.1550A>G, p.Lys517Arg (NM_001190458.2, NM_001193536.2); short protein forms K585R, K517R.
Identifiers: ClinVar variation 1901531 (VCV001901531.5), dbSNP rs2538257754, ClinGen allele CA372759612.

ClinVar aggregate classification (germline): Uncertain significance (1 of 4 stars; one submission).

Conditions:
Combined immunodeficiency due to DOCK8 deficiency (HIES2). Also called: HYPER-IgE SYNDROME 2, AUTOSOMAL RECESSIVE, WITH RECURRENT INFECTIONS; HIES autosomal recessive; DOCK8 Deficiency; Hyper-IgE recurrent infection syndrome, autosomal recessive; HYPER-IgE RECURRENT INFECTION SYNDROME 2, AUTOSOMAL RECESSIVE. Identifiers: Orphanet 217390, MedGen C4722305, MONDO:0009478, OMIM 243700.

Submission:

Labcorp Genetics (formerly Invitae), Labcorp
Classification: Uncertain significance for Combined immunodeficiency due to DOCK8 deficiency. Last evaluated: 2023-07-09. Review status: criteria provided, single submitter. Criteria: Invitae Variant Classification Sherloc (09022015). Collection method: clinical testing. Allele origin: germline.
Comment: In summary, the available evidence is currently insufficient to determine the role of this variant in disease. Therefore, it has been classified as a Variant of Uncertain Significance. Advanced modeling of protein sequence and biophysical properties (such as structural, functional, and spatial information, amino acid conservation, physicochemical variation, residue mobility, and thermodynamic stability) performed at Invitae indicates that this missense variant is not expected to disrupt DOCK8 protein function. ClinVar contains an entry for this variant (Variation ID: 1901531). This variant has not been reported in the literature in individuals affected with DOCK8-related conditions. This variant is not present in population databases (gnomAD no frequency). This sequence change replaces lysine, which is basic and polar, with arginine, which is basic and polar, at codon 585 of the DOCK8 protein (p.Lys585Arg).